The following is an entry in ClinVar:

ClinVar aggregate classification (germline): Uncertain significance (1 of 4 stars; one submission).

Conditions:
Carnitine palmitoyl transferase 1A deficiency. Also called: CPT deficiency, hepatic, type IA; CPT I DEFICIENCY; CPT DEFICIENCY, HEPATIC, TYPE I; Carnitine palmitoyltransferase 1A deficiency; Carnitine palmitoyltransferase type I deficiency. Identifiers: Orphanet 156, MedGen C1829703, MONDO:0009705, OMIM 255120.

Submission:

Labcorp Genetics (formerly Invitae), Labcorp
Classification: Uncertain significance for Carnitine palmitoyl transferase 1A deficiency. Last evaluated: 2022-07-30. Review status: criteria provided, single submitter. Criteria: Invitae Variant Classification Sherloc (09022015). Collection method: clinical testing. Allele origin: germline.
Comment: This sequence change replaces glutamic acid, which is acidic and polar, with aspartic acid, which is acidic and polar, at codon 309 of the CPT1A protein (p.Glu309Asp). This variant is not present in population databases (gnomAD no frequency). This variant has not been reported in the literature in individuals affected with CPT1A-related conditions. Algorithms developed to predict the effect of missense changes on protein structure and function are either unavailable or do not agree on the potential impact of this missense change (SIFT: "Tolerated"; PolyPhen-2: "Possibly Damaging"; Align-GVGD: "Class C0"). In summary, the available evidence is currently insufficient to determine the role of this variant in disease. Therefore, it has been classified as a Variant of Uncertain Significance.

NM_001876.4(CPT1A):c.927G>T (p.Glu309Asp)

Gene: CPT1A (carnitine palmitoyltransferase 1A; minus strand). Cytogenetic location: 11q13.3.
Variant type: single nucleotide variant.
Coding change: c.927G>T on transcript NM_001876.4 (MANE Select); coding-DNA position 927, G replaced by T.
Protein change: p.Glu309Asp; replaces glutamic acid 309 with aspartic acid.
Molecular consequence: missense variant.
Genome position (GRCh38, 1-based): chr11:68,793,355, C>A on the plus strand (G>T on the coding strand, the complement: CPT1A is on the minus strand). VCF-style: chr11-68793355-C-A. GRCh37 (hg19) VCF-style: chr11-68560823-C-A.
Other names: c.927G>T, p.Glu309Asp (NM_001031847.3); short protein forms E309D.
Identifiers: ClinVar variation 1714323 (VCV001714323.5), dbSNP rs2495612455, ClinGen allele CA381634218.